The following is an entry in ClinVar:

ClinVar aggregate classification (germline): Uncertain significance (1 of 4 stars; one submission).

Conditions:
Developmental and epileptic encephalopathy, 9 (DEE9). Also called: Early infantile epileptic encephalopathy 9; EPILEPSY, FEMALE-RESTRICTED, WITH MENTAL RETARDATION; JUBERG-HELLMAN SYNDROME; PCDH19-Related X-Linked Female-Limited Epilepsy with Mental Retardation. Identifiers: Orphanet 101039, Orphanet 2076, MedGen C1848137, MONDO:0010246, OMIM 300088. Disease mechanism: loss of function.

Submission:

Labcorp Genetics (formerly Invitae), Labcorp
Classification: Uncertain significance for Developmental and epileptic encephalopathy, 9. Last evaluated: 2025-07-15. Review status: criteria provided, single submitter. Criteria: Invitae Variant Classification Sherloc (09022015). Collection method: clinical testing. Allele origin: germline.
Comment: This sequence change replaces valine, which is neutral and non-polar, with alanine, which is neutral and non-polar, at codon 590 of the PCDH19 protein (p.Val590Ala). This variant is not present in population databases (gnomAD no frequency). This variant has not been reported in the literature in individuals affected with PCDH19-related conditions. Invitae Evidence Modeling of protein sequence and biophysical properties (such as structural, functional, and spatial information, amino acid conservation, physicochemical variation, residue mobility, and thermodynamic stability) has been performed for this missense variant. However, the output from this modeling did not meet the statistical confidence thresholds required to predict the impact of this variant on PCDH19 protein function. In summary, the available evidence is currently insufficient to determine the role of this variant in disease. Therefore, it has been classified as a Variant of Uncertain Significance.

NM_001184880.2(PCDH19):c.1769T>C (p.Val590Ala)

Gene: PCDH19 (protocadherin 19; minus strand). Cytogenetic location: Xq22.1.
Variant type: single nucleotide variant.
Coding change: c.1769T>C on transcript NM_001184880.2 (MANE Select); coding-DNA position 1769, T replaced by C.
Protein change: p.Val590Ala; replaces valine 590 with alanine.
Molecular consequence: missense variant.
Genome position (GRCh38, 1-based): chrX:100,406,829, A>G on the plus strand (T>C on the coding strand, the complement: PCDH19 is on the minus strand). VCF-style: chrX-100406829-A-G. GRCh37 (hg19) VCF-style: chrX-99661827-A-G.
Other names: c.1769T>C, p.Val590Ala (NM_001105243.2, NM_020766.3); short protein forms V590A.
Identifiers: ClinVar variation 4806117 (VCV004806117.1).
Genomic context (GRCh38, chrX:100,406,829, plus strand): 5'-CCCTCGGTCATGTCGTAGGTGACTCGGCCATTTTCGCCCTCATCGTAGTCTTCTGCCTTG[A>G]CAACAGTCACCAGGTAGCCTATGCCAGAGTTGCGGGGTATGTAGACCTCGGCAGTGCCGT-3'
Protein context (NP_001171809.1, residues 580-600): NSGIGYLVTV[Val590Ala]KAEDYDEGEN